The following is an entry in ClinVar:

NM_017934.7(PHIP):c.4495G>C (p.Glu1499Gln)

Genes: IRAK1BP1 (interleukin 1 receptor associated kinase 1 binding protein 1; plus strand), PHIP (PHIP subunit of CUL4-Ring ligase complex; minus strand). Cytogenetic location: 6q14.1.
Variant type: single nucleotide variant.
Coding change: c.4495G>C on transcript NM_017934.7 (MANE Select); coding-DNA position 4495, G replaced by C.
Protein change: p.Glu1499Gln; replaces glutamic acid 1499 with glutamine.
Molecular consequence: missense variant.
Genome position (GRCh38, 1-based): chr6:78,946,136, C>G on the plus strand (G>C on the coding strand, the complement: PHIP is on the minus strand). VCF-style: chr6-78946136-C-G. GRCh37 (hg19) VCF-style: chr6-79655853-C-G.
Other names: c.4495G>C (NM_017934.5); short protein forms E1499Q.
Identifiers: ClinVar variation 3358146 (VCV003358146.2).
Genomic context (GRCh38, chr6:78,946,136, plus strand): 5'-CAGTGACAACTGGATCTACAACCACTCGGTTGCTTCTGGTTCGAACCACAGAACTAGATT[C>G]TGTTTTACCGTTTATCTGAGCAGCATTGTGTCTTGGCGGTATTGATCGTGTAGGTGTAGA-3'
Protein context (NP_060404.4, residues 1489-1509): HNAAQINGKT[Glu1499Gln]SSSVVRTRSN

ClinVar aggregate classification (germline): Uncertain significance. Review status: criteria provided, single submitter (1 of 4 stars). 2 submissions from 2 submitters: Uncertain significance (1). 1 of the submissions does not count toward it. Last evaluated 2025-02-28.

Conditions:
Inborn genetic diseases. Identifiers: MedGen C0950123, MeSH D030342.
PHIP-related disorder. Also called: PHIP-related condition; PHIP-related disorders.

gnomAD v4.1: 20 of 1,613,942 alleles (0.0012%); highest among the groups gnomAD compares: Non-Finnish European, 0.0016%; no homozygotes.

Submissions (2):

Ambry Genetics
Classification: Uncertain significance for Inborn genetic diseases. Last evaluated: 2025-02-28. Review status: criteria provided, single submitter. Criteria: Ambry Variant Classification Scheme 2023. Collection method: clinical testing. Allele origin: germline.

PreventionGenetics, part of Exact Sciences
Classification: Uncertain significance for PHIP-related condition. Last evaluated: 2024-05-02. Review status: no assertion criteria provided. Collection method: clinical testing. Allele origin: germline. Not counted in ClinVar's aggregate classification.
Comment: The PHIP c.4495G>C variant is predicted to result in the amino acid substitution p.Glu1499Gln. To our knowledge, this variant has not been reported in the literature. This variant is reported in 0.0015% of alleles in individuals of European (Non-Finnish) descent in gnomAD. At this time, the clinical significance of this variant is uncertain due to the absence of conclusive functional and genetic evidence.